The following is an entry in ClinVar:

NM_000535.7(PMS2):c.119_122dup (p.Leu42fs)

Gene: PMS2 (PMS1 homolog 2, mismatch repair system component; minus strand). Cytogenetic location: 7p22.1.
Variant type: Duplication.
Coding change: c.119_122dup on transcript NM_000535.7 (MANE Select); coding-DNA positions 119 to 122, 4 bases duplicated (AGGA; older notation c.119_122dupAGGA).
Protein change: p.Leu42fs; shifts the reading frame from leucine 42.
Molecular consequence: frameshift variant. On other transcripts: 5 prime UTR variant (8), non-coding transcript variant (1), intron variant (3).
Genome position (GRCh38, 1-based): chr7:6,005,933-6,005,936, TCCT duplicated on the plus strand (AGGA on the coding strand, the reverse complement: PMS2 is on the minus strand); duplicating any 4 consecutive bases within chr7:6,005,933-6,005,937 gives the same sequence; the c. name uses the placement nearest the transcript's 3' end. VCF-style (leftmost placement, unchanged base first): chr7-6005932-C-CTCCT. GRCh37 (hg19) VCF-style: chr7-6045563-C-CTCCT.
Other names: c.119_122dupAGGA (NM_000535.5); c.-287_-284dup (NM_001322003.2, NM_001322005.2, NM_001322009.2 and 1 more transcripts); c.119_122dup, p.Leu42fs (NM_001322006.2, NM_001322014.2); c.-97_-94dup (NM_001322007.2); c.-766_-763dup (NM_001322011.2, NM_001322012.2); c.-366_-363dup (NM_001322015.2); c.-52-1878_-52-1875dup (NM_001322008.2); c.-242-1878_-242-1875dup (NM_001322010.2, NM_001322004.2); short protein forms L42fs.
Identifiers: ClinVar variation 486929 (VCV000486929.5), dbSNP rs1554306391, ClinGen allele CA658657659.

ClinVar aggregate classification (germline): Pathogenic (1 of 4 stars; one submission).

Conditions:
Hereditary cancer-predisposing syndrome. Also called: Tumor predisposition; Hereditary Cancer Syndrome; Hereditary neoplastic syndrome; Neoplastic Syndromes, Hereditary. Identifiers: Orphanet 140162, MedGen C0027672, MeSH D009386, MONDO:0015356.

Submission:

Ambry Genetics
Classification: Pathogenic for Hereditary cancer-predisposing syndrome. Last evaluated: 2016-04-13. Review status: criteria provided, single submitter. Criteria: Ambry Variant Classification Scheme 2023. Collection method: clinical testing. Allele origin: germline.
Comment: The c.119_122dupAGGA pathogenic mutation, located in coding exon 2 of the PMS2 gene, results from a duplication of 4 nucleotides at nucleotide position 119, causing a translational frameshift with a predicted alternate stop codon. Since frameshifts are typically deleterious in nature, this alteration is interpreted as a disease-causing mutation (ACMG Recommendations for Standards for Interpretation and Reporting of Sequence Variations. Revision 2007. Genet Med. 2008;10:294).